The following is an entry in ClinVar:

ClinVar aggregate classification (germline): Uncertain significance (1 of 4 stars; one submission).

Submission:

Labcorp Genetics (formerly Invitae), Labcorp
Classification: Uncertain significance. Last evaluated: 2025-03-19. Review status: criteria provided, single submitter. Criteria: Invitae Variant Classification Sherloc (09022015). Collection method: clinical testing. Allele origin: germline.
Comment: This sequence change replaces proline, which is neutral and non-polar, with alanine, which is neutral and non-polar, at codon 1292 of the ERBB4 protein (p.Pro1292Ala). This variant is not present in population databases (gnomAD no frequency). This variant has not been reported in the literature in individuals affected with ERBB4-related conditions. An algorithm developed to predict the effect of missense changes on protein structure and function (PolyPhen-2) suggests that this variant is likely to be tolerated. In summary, the available evidence is currently insufficient to determine the role of this variant in disease. Therefore, it has been classified as a Variant of Uncertain Significance.

NM_005235.3(ERBB4):c.3874C>G (p.Pro1292Ala)

Gene: ERBB4 (erb-b2 receptor tyrosine kinase 4; minus strand). Cytogenetic location: 2q34.
Variant type: single nucleotide variant.
Coding change: c.3874C>G on transcript NM_005235.3 (MANE Select); coding-DNA position 3874, C replaced by G.
Protein change: p.Pro1292Ala; replaces proline 1292 with alanine.
Molecular consequence: missense variant.
Genome position (GRCh38, 1-based): chr2:211,383,668, G>C on the plus strand (C>G on the coding strand, the complement: ERBB4 is on the minus strand). VCF-style: chr2-211383668-G-C. GRCh37 (hg19) VCF-style: chr2-212248393-G-C.
Other names: c.3826C>G, p.Pro1276Ala (NM_001042599.2); c.3844C>G, p.Pro1282Ala (NM_001439005.1); c.3796C>G, p.Pro1266Ala (NM_001439006.1); short protein forms P1266A, P1276A, P1282A, P1292A.
Identifiers: ClinVar variation 4776586 (VCV004776586.1).